The following is an entry in ClinVar:

ClinVar aggregate classification (germline): Uncertain significance (1 of 4 stars; one submission).

Submission:

CeGaT Center for Human Genetics Tuebingen
Classification: Uncertain significance. Last evaluated: 2025-05-01. Review status: criteria provided, single submitter. Criteria: CeGaT Center For Human Genetics Tuebingen Variant Classification Criteria Version 2. Collection method: clinical testing. Allele origin: germline. Affected: yes. Observed: 1 variant allele.
Comment: HERC2: PM2, PP2, PP3

NM_004667.6(HERC2):c.9158A>C (p.His3053Pro)

Gene: HERC2 (HECT and RLD domain containing E3 ubiquitin protein ligase 2; minus strand). Cytogenetic location: 15q13.1.
Variant type: single nucleotide variant.
Coding change: c.9158A>C on transcript NM_004667.6 (MANE Select); coding-DNA position 9158, A replaced by C.
Protein change: p.His3053Pro; replaces histidine 3053 with proline.
Molecular consequence: missense variant.
Genome position (GRCh38, 1-based): chr15:28,178,892, T>G on the plus strand (A>C on the coding strand, the complement: HERC2 is on the minus strand). VCF-style: chr15-28178892-T-G. GRCh37 (hg19) VCF-style: chr15-28424038-T-G.
Other names: short protein forms H3053P.
Identifiers: ClinVar variation 4085152 (VCV004085152.8).